The following is an entry in ClinVar:

NM_001110556.2(FLNA):c.1692-13C>G

Gene: FLNA (filamin A; minus strand). Cytogenetic location: Xq28.
Variant type: single nucleotide variant.
Coding change: c.1692-13C>G on transcript NM_001110556.2 (MANE Select); 13 bases into the intron before coding-DNA position 1692, C replaced by G.
Molecular consequence: intron variant.
Genome position (GRCh38, 1-based): chrX:154,364,970, G>C on the plus strand (C>G on the coding strand, the complement: FLNA is on the minus strand). VCF-style: chrX-154364970-G-C. GRCh37 (hg19) VCF-style: chrX-153593338-G-C.
Other names: c.1692-13C>G (NM_001456.4).
Identifiers: ClinVar variation 2936195 (VCV002936195.4), dbSNP rs2067745159, ClinGen allele CA2466657873.

ClinVar aggregate classification (germline): Conflicting classifications of pathogenicity. Review status: criteria provided, conflicting classifications (1 of 4 stars). 2 submissions from 2 submitters: Uncertain significance (1); Likely benign (1). Last evaluated 2024-11-04.

Conditions:
Oto-palato-digital syndrome, type II (OPD2). Also called: FACIOPALATOOSSEOUS SYNDROME; OPD II SYNDROME; Otopalatodigital Syndrome, Type II; Otopalatodigital Syndrome Type 2 (FLNA-OPD2). Identifiers: Orphanet 669, Orphanet 90652, MedGen C1844696, MONDO:0010571, OMIM 304120.
Heterotopia, periventricular, X-linked dominant (PVNH1). Also called: PERIVENTRICULAR NODULAR HETEROTOPIA 1; X-linked periventricular heterotopia; PERIVENTRICULAR NODULAR HETEROTOPIA 4; HETEROTOPIA, PERIVENTRICULAR, 1. Identifiers: Orphanet 2149, Orphanet 82004, MedGen C1848213, MONDO:0010233, OMIM 300049.
Frontometaphyseal dysplasia (FMD1). Identifiers: Orphanet 1826, MedGen C0265293, MONDO:0015942.
Melnick-Needles syndrome (MNS). Also called: MELNICK-NEEDLES OSTEODYSPLASTY; OSTEODYSPLASTY OF MELNICK AND NEEDLES; Melnick-Needles Syndrome (FLNA-MNS). Identifiers: Orphanet 2484, MedGen C0025237, MONDO:0010650, OMIM 309350.

Allele frequency attached by ClinVar (database versions not stated): TOPMed 0.00001.

Submissions (2):

Women's Health and Genetics/Laboratory Corporation of America, LabCorp
Classification: Uncertain significance. Last evaluated: 2024-11-04. Review status: criteria provided, single submitter. Criteria: LabCorp Variant Classification Summary - May 2015. Collection method: clinical testing. Allele origin: germline.
Comment: Variant summary: FLNA c.1692-13C>G alters a non-conserved nucleotide located at a position not widely known to affect splicing. Several computational tools predict a significant impact on normal splicing: Two predict the variant weakens a 3' acceptor site. However, these predictions have yet to be confirmed by functional studies. The variant was absent in 181115 control chromosomes. The available data on variant occurrences in the general population are insufficient to allow any conclusion about variant significance. To our knowledge, no occurrence of c.1692-13C>G in individuals affected with Periventricular Nodular Heterotopia and no experimental evidence demonstrating its impact on protein function have been reported. ClinVar contains an entry for this variant (Variation ID: 2936195). Based on the evidence outlined above, the variant was classified as uncertain significance.

Labcorp Genetics (formerly Invitae), Labcorp
Classification: Likely benign for Oto-palato-digital syndrome, type II; Heterotopia, periventricular, X-linked dominant; Frontometaphyseal dysplasia; Melnick-Needles syndrome. Last evaluated: 2023-02-22. Review status: criteria provided, single submitter. Criteria: Invitae Variant Classification Sherloc (09022015). Collection method: clinical testing. Allele origin: germline.